The following is an entry in ClinVar:

NM_000439.5(PCSK1):c.676G>A (p.Gly226Arg)

Genes: CAST (calpastatin; plus strand), PCSK1 (proprotein convertase subtilisin/kexin type 1; minus strand), LOC101929710 (uncharacterized LOC101929710; plus strand). Cytogenetic location: 5q15.
Variant type: single nucleotide variant.
Coding change: c.676G>A on transcript NM_000439.5 (MANE Select); coding-DNA position 676, G replaced by A.
Protein change: p.Gly226Arg; replaces glycine 226 with arginine.
Molecular consequence: missense variant.
Genome position (GRCh38, 1-based): chr5:96,416,066, C>T on the plus strand (G>A on the coding strand, the complement: PCSK1 is on the minus strand). VCF-style: chr5-96416066-C-T. GRCh37 (hg19) VCF-style: chr5-95751770-C-T.
Other names: c.676G>A (NM_000439.4); c.535G>A, p.Gly179Arg (NM_001177875.2); short protein forms G226R, G179R.
Identifiers: ClinVar variation 596616 (VCV000596616.6), dbSNP rs771394982, ClinGen allele CA3350404.

ClinVar aggregate classification (germline): Conflicting classifications of pathogenicity. Review status: criteria provided, conflicting classifications (1 of 4 stars). 2 submissions from 2 submitters: Likely pathogenic (1); Uncertain significance (1). Last evaluated 2025-03-03.

Conditions:
PCSK1-related disorder. Also called: PCSK1-related condition.

Allele frequency attached by ClinVar (database versions not stated): TOPMed below 0.00001; gnomAD 0.00001; gnomAD exomes 0.00001; ExAC 0.00002.
gnomAD v4.1: 21 of 1,612,928 alleles (0.0013%); highest among the groups gnomAD compares: Non-Finnish European, 0.0015%; no homozygotes.

Submissions (2):

PreventionGenetics, part of Exact Sciences
Classification: Likely pathogenic for PCSK1-related condition. Last evaluated: 2025-03-03. Review status: criteria provided, single submitter. Criteria: ACMG Guidelines, 2015. Collection method: clinical testing. Allele origin: germline.
Comment: The PCSK1 c.676G>A variant is predicted to result in the amino acid substitution p.Gly226Arg. This variant was reported in the heterozygous state in an individual with obesity and in a cohort of individuals with obesity (Creemers et al. 2012. PubMed ID: 22210313; Shah et al. 2023. PubMed ID: 36864747). Functional analysis of this variant showed a loss of catalytic activity, increased binding to endoplasmic reticulum chaperone, and prolonged intracellular retention (Creemers et al. 2012. PubMed ID: 22210313; Stijnen et al. 2016. PubMed ID: 26786350; Table 3 and Supplemental Data Set, Shah et al. 2023. PubMed ID: 36864747). It is reported in 0.0040% of alleles in individuals of European (Finnish) descent in gnomAD. This variant is interpreted as likely pathogenic.

Eurofins Ntd Llc (ga)
Classification: Uncertain significance. Last evaluated: 2018-03-20. Review status: criteria provided, single submitter. Criteria: EGL ClinVar v180209 classification definitions. Collection method: clinical testing. Allele origin: germline.